The following is an entry in ClinVar:

ClinVar aggregate classification (germline): Uncertain significance. Review status: criteria provided, multiple submitters, no conflicts (2 of 4 stars). 4 submissions from 4 submitters: Uncertain significance (3). 1 of the submissions does not count toward it. Last evaluated 2024-04-22.

Conditions:
Primary ciliary dyskinesia 9. Also called: CILIARY DYSKINESIA, PRIMARY, 9, WITH OR WITHOUT SITUS INVERSUS. Identifiers: Orphanet 244, MedGen C2676235, MONDO:0012906, OMIM 612444.
Primary ciliary dyskinesia. Also called: Ciliary dyskinesia. Identifiers: Orphanet 244, MedGen C0008780, MONDO:0016575, HP:0012265.

Allele frequency attached by ClinVar (database versions not stated): gnomAD exomes 0.00005 and 0.00011; gnomAD 0.00006; ExAC 0.00007; ESP Exome Variant Server 0.00008; TOPMed 0.00010.
gnomAD v4.1: 189 of 1,614,154 alleles (0.012%); highest among the groups gnomAD compares: Non-Finnish European, 0.014%; no homozygotes.

Submissions (4):

Labcorp Genetics (formerly Invitae), Labcorp
Classification: Uncertain significance for Primary ciliary dyskinesia. Last evaluated: 2024-04-22. Review status: criteria provided, single submitter. Criteria: Invitae Variant Classification Sherloc (09022015). Collection method: clinical testing. Allele origin: germline.
Comment: This sequence change replaces glutamic acid, which is acidic and polar, with lysine, which is basic and polar, at codon 39 of the DNAI2 protein (p.Glu39Lys). This variant is present in population databases (rs148885547, gnomAD 0.009%). This variant has not been reported in the literature in individuals affected with DNAI2-related conditions. ClinVar contains an entry for this variant (Variation ID: 408964). Advanced modeling of protein sequence and biophysical properties (such as structural, functional, and spatial information, amino acid conservation, physicochemical variation, residue mobility, and thermodynamic stability) performed at Invitae indicates that this missense variant is not expected to disrupt DNAI2 protein function with a negative predictive value of 80%. In summary, the available evidence is currently insufficient to determine the role of this variant in disease. Therefore, it has been classified as a Variant of Uncertain Significance.

GeneDx
Classification: Uncertain significance. Last evaluated: 2022-04-19. Review status: criteria provided, single submitter. Criteria: GeneDx Variant Classification Process June 2021. Collection method: clinical testing. Allele origin: germline. Affected: yes.
Comment: In silico analysis supports that this missense variant does not alter protein structure/function; Has not been previously published as pathogenic or benign to our knowledge

Fulgent Genetics
Classification: Uncertain significance for Primary ciliary dyskinesia 9. Last evaluated: 2021-07-07. Review status: criteria provided, single submitter. Criteria: ACMG Guidelines, 2015. Collection method: clinical testing. Allele origin: unknown.

Natera, Inc.
Classification: Uncertain significance for Primary ciliary dyskinesia. Last evaluated: 2019-10-28. Review status: no assertion criteria provided. Collection method: clinical testing. Allele origin: germline. Not counted in ClinVar's aggregate classification.

NM_023036.6(DNAI2):c.115G>A (p.Glu39Lys)

Gene: DNAI2 (dynein axonemal intermediate chain 2; plus strand). Cytogenetic location: 17q25.1.
Variant type: single nucleotide variant.
Coding change: c.115G>A on transcript NM_023036.6 (MANE Select); coding-DNA position 115, G replaced by A.
Protein change: p.Glu39Lys; replaces glutamic acid 39 with lysine.
Molecular consequence: missense variant. On other transcripts: non-coding transcript variant (1).
Genome position (GRCh38, 1-based): chr17:74,281,932, G>A. VCF-style: chr17-74281932-G-A. GRCh37 (hg19) VCF-style: chr17-72278071-G-A.
Other names: c.115G>A, p.Glu39Lys (NM_001172810.3, NM_001353167.2); c.115G>A (NM_023036.5); short protein forms E39K.
Identifiers: ClinVar variation 408964 (VCV000408964.12), dbSNP rs148885547, ClinGen allele CA8745250.
Genomic context (GRCh38, chr17:74,281,932, plus strand): 5'-AATTTCTCGGACCGCCAGGCCGAGCTGAACATCGACATCATGCCCAACCCTGAGCTGGCC[G>A]AGCAGTTCGTGGAGCGGAACCCAGTGGACACGGGCATCCAGTGCTCGATCAGCATGTCGG-3'
Protein context (NP_075462.3, residues 29-49): IDIMPNPELA[Glu39Lys]QFVERNPVDT